The following is an entry in ClinVar:

NM_001142864.4(PIEZO1):c.5111C>G (p.Ser1704Cys)

Gene: PIEZO1 (piezo type mechanosensitive ion channel component 1 (Er blood group); minus strand). Cytogenetic location: 16q24.3.
Variant type: single nucleotide variant.
Coding change: c.5111C>G on transcript NM_001142864.4 (MANE Select); coding-DNA position 5111, C replaced by G.
Protein change: p.Ser1704Cys; replaces serine 1704 with cysteine.
Molecular consequence: missense variant.
Genome position (GRCh38, 1-based): chr16:88,721,911, G>C on the plus strand (C>G on the coding strand, the complement: PIEZO1 is on the minus strand). VCF-style: chr16-88721911-G-C. GRCh37 (hg19) VCF-style: chr16-88788319-G-C.
Other names: short protein forms S1704C.
Identifiers: ClinVar variation 3352397 (VCV003352397.1).

ClinVar aggregate classification (germline): Uncertain significance (0 of 4 stars; one submission).

Conditions:
PIEZO1-related disorder. Also called: PIEZO1-related condition; PIEZO1-Related Disorders.

gnomAD v4.1: 5 of 1,550,206 alleles (0.00032%); highest among the groups gnomAD compares: East Asian, 0.0024%; no homozygotes.

Submission:

PreventionGenetics, part of Exact Sciences
Classification: Uncertain significance for PIEZO1-related condition. Last evaluated: 2024-07-18. Review status: no assertion criteria provided. Collection method: clinical testing. Allele origin: germline.
Comment: The PIEZO1 c.5111C>G variant is predicted to result in the amino acid substitution p.Ser1704Cys. To our knowledge, this variant has not been reported in the literature. This variant is reported in 0.0092% of alleles in individuals of East Asian descent in gnomAD. At this time, the clinical significance of this variant is uncertain due to the absence of conclusive functional and genetic evidence.